The following is an entry in ClinVar:

ClinVar aggregate classification (germline): Uncertain significance (1 of 4 stars; one submission).

Conditions:
Glanzmann thrombasthenia. Also called: BLEEDING DISORDER, PLATELET-TYPE, 2; THROMBASTHENIA OF GLANZMANN AND NAEGELI; PLATELET GLYCOPROTEIN IIb-IIIa DEFICIENCY; Thrombasthenia; Glanzmann's thrombasthenia. Identifiers: Orphanet 849, MedGen C0040015, MONDO:0100326.

gnomAD v4.1: 21 of 1,613,900 alleles (0.0013%); highest among the groups gnomAD compares: Non-Finnish European, 0.0018%; no homozygotes.

Submission:

Labcorp Genetics (formerly Invitae), Labcorp
Classification: Uncertain significance for Glanzmann thrombasthenia. Last evaluated: 2025-12-19. Review status: criteria provided, single submitter. Criteria: Invitae Variant Classification Sherloc (09022015). Collection method: clinical testing. Allele origin: germline.
Comment: This sequence change replaces asparagine, which is neutral and polar, with aspartic acid, which is acidic and polar, at codon 565 of the ITGA2B protein (p.Asn565Asp). This variant is present in population databases (rs758547390, gnomAD 0.005%). This variant has not been reported in the literature in individuals affected with ITGA2B-related conditions. An algorithm developed to predict the effect of missense changes on protein structure and function outputs the following: PolyPhen-2: "Benign". The aspartic acid amino acid residue is found in multiple mammalian species, which suggests that this missense change does not adversely affect protein function. In summary, the available evidence is currently insufficient to determine the role of this variant in disease. Therefore, it has been classified as a Variant of Uncertain Significance.

NM_000419.5(ITGA2B):c.1693A>G (p.Asn565Asp)

Gene: ITGA2B (integrin subunit alpha 2b; minus strand). Cytogenetic location: 17q21.31.
Variant type: single nucleotide variant.
Coding change: c.1693A>G on transcript NM_000419.5 (MANE Select); coding-DNA position 1693, A replaced by G.
Protein change: p.Asn565Asp; replaces asparagine 565 with aspartic acid.
Molecular consequence: missense variant.
Genome position (GRCh38, 1-based): chr17:44,380,061, T>C on the plus strand (A>G on the coding strand, the complement: ITGA2B is on the minus strand). VCF-style: chr17-44380061-T-C. GRCh37 (hg19) VCF-style: chr17-42457429-T-C.
Other names: short protein forms N565D.
Identifiers: ClinVar variation 4807958 (VCV004807958.1).